The following is an entry in ClinVar:

ClinVar aggregate classification (germline): Conflicting classifications of pathogenicity. Review status: criteria provided, conflicting classifications (1 of 4 stars). 2 submissions from 2 submitters: Likely pathogenic (1); Uncertain significance (1). Last evaluated 2025-08-01.

Conditions:
Familial Mediterranean fever (FMF). Also called: POLYSEROSITIS, FAMILIAL PAROXYSMAL; POLYSEROSITIS, RECURRENT; Periodic peritonitis; Benign paroxysmal peritonitis. Identifiers: Orphanet 342, MedGen C0031069, MONDO:0018088, OMIM 249100. Disease mechanism: gain of function.

Allele frequency attached by ClinVar (database versions not stated): gnomAD exomes below 0.00001.
gnomAD v4.1: 4 of 1,614,156 alleles (0.00025%); highest among the groups gnomAD compares: Middle Eastern, 0.016%; no homozygotes.

Submissions (2):

Natera, Inc.
Classification: Likely pathogenic for Familial Mediterranean fever. Last evaluated: 2025-08-01. Review status: criteria provided, single submitter. Criteria: Natera Variant Classification Schema (03/2026). Collection method: clinical testing. Allele origin: germline.
Comment: The c.2038A>G variant in MEFV is a missense variant predicted to cause substitution of methionine to valine at amino acid 680. This variant is rare in the general population with a frequency below the threshold expected for the associated phenotype(s). This variant has been observed in affected individual(s) with monoallelic occurrence (heterozygous/hemizygous) (PMID: 31989427). A different variant at the same position has been determined to be Pathogenic or Likely Pathogenic. Multiple computational prediction algorithms suggest this variant is unlikely to affect gene or protein function. Given the available evidence, this variant is classified as Likely Pathogenic.

CeGaT Center for Human Genetics Tuebingen
Classification: Uncertain significance. Last evaluated: 2024-06-01. Review status: criteria provided, single submitter. Criteria: CeGaT Center For Human Genetics Tuebingen Variant Classification Criteria Version 2. Collection method: clinical testing. Allele origin: germline. Affected: yes. Observed: 1 variant allele.
Comment: MEFV: PM1, PM2, PM5, BP4

Literature cited by the submitters: PubMed 31989427 (cited by Natera, Inc.).

NM_000243.3(MEFV):c.2038A>G (p.Met680Val)

Genes: MEFV (MEFV innate immunity regulator, pyrin; minus strand), LOC126862264 (CDK7 strongly-dependent group 2 enhancer GRCh37_chr16:3293322-3294521; plus strand). Cytogenetic location: 16p13.3.
Variant type: single nucleotide variant.
Coding change: c.2038A>G on transcript NM_000243.3 (MANE Select); coding-DNA position 2038, A replaced by G.
Protein change: p.Met680Val; replaces methionine 680 with valine.
Molecular consequence: missense variant. On other transcripts: 3 prime UTR variant (1).
Genome position (GRCh38, 1-based): chr16:3,243,449, T>C on the plus strand (A>G on the coding strand, the complement: MEFV is on the minus strand). VCF-style: chr16-3243449-T-C. GRCh37 (hg19) VCF-style: chr16-3293449-T-C.
Other names: c.*242A>G (NM_001198536.2); short protein forms M680V.
Identifiers: ClinVar variation 3239239 (VCV003239239.20), dbSNP rs104895089.